The following is an entry in ClinVar:

ClinVar aggregate classification (germline): Uncertain significance (1 of 4 stars; one submission).

Conditions:
Inborn genetic diseases. Identifiers: MedGen C0950123, MeSH D030342.

Submission:

Ambry Genetics
Classification: Uncertain significance for Inborn genetic diseases. Last evaluated: 2024-03-28. Review status: criteria provided, single submitter. Criteria: Ambry Variant Classification Scheme 2023. Collection method: clinical testing. Allele origin: germline.
Comment: The p.C49F variant (also known as c.146G>T), located in coding exon 2 of the DPYD gene, results from a G to T substitution at nucleotide position 146. The cysteine at codon 49 is replaced by phenylalanine, an amino acid with highly dissimilar properties. This amino acid position is conserved. In addition, this alteration is predicted to be deleterious by in silico analysis. Based on the available evidence, the clinical significance of this alteration remains unclear.

NM_000110.4(DPYD):c.146G>T (p.Cys49Phe)

Gene: DPYD (dihydropyrimidine dehydrogenase; minus strand). Cytogenetic location: 1p21.3.
Variant type: single nucleotide variant.
Coding change: c.146G>T on transcript NM_000110.4 (MANE Select); coding-DNA position 146, G replaced by T.
Protein change: p.Cys49Phe; replaces cysteine 49 with phenylalanine.
Molecular consequence: missense variant.
Genome position (GRCh38, 1-based): chr1:97,883,268, C>A on the plus strand (G>T on the coding strand, the complement: DPYD is on the minus strand). VCF-style: chr1-97883268-C-A. GRCh37 (hg19) VCF-style: chr1-98348824-C-A.
Other names: c.146G>T, p.Cys49Phe (NM_001160301.1); short protein forms C49F.
Identifiers: ClinVar variation 3273696 (VCV003273696.1).